The following is an entry in ClinVar:

ClinVar aggregate classification (germline): Likely benign. Review status: criteria provided, multiple submitters, no conflicts (2 of 4 stars). 2 submissions from 2 submitters: Likely benign (2). Last evaluated 2026-04-07.

Conditions:
APC-related disorder. Also called: APC-related condition.
Familial adenomatous polyposis 1 (FAP1). Also called: FAMILIAL ADENOMATOUS POLYPOSIS 1, ATTENUATED; POLYPOSIS, ADENOMATOUS INTESTINAL. Identifiers: MedGen C2713442, MONDO:0021056, OMIM 175100. Disease mechanism: loss of function.

Allele frequency attached by ClinVar (database versions not stated): gnomAD 0.00034 and 0.00030; gnomAD exomes 0.00010 and 0.00004; 1000 Genomes Project 30x 0.00031; TOPMed 0.00031.
gnomAD v4.1: 94 of 1,370,660 alleles (0.0069%); highest among the groups gnomAD compares: African/African-American, 0.12%; no homozygotes.

Submissions (2):

PreventionGenetics, part of Exact Sciences
Classification: Likely benign for APC-related condition. Last evaluated: 2026-04-07. Review status: criteria provided, single submitter. Criteria: ACMG Guidelines, 2015. Collection method: clinical testing. Allele origin: germline.
Comment: This variant is classified as likely benign based on ACMG/AMP sequence variant interpretation guidelines (Richards et al. 2015 PMID: 25741868, with internal and published modifications).

Labcorp Genetics (formerly Invitae), Labcorp
Classification: Likely benign for Familial adenomatous polyposis 1. Last evaluated: 2026-01-27. Review status: criteria provided, single submitter. Criteria: Invitae Variant Classification Sherloc (09022015). Collection method: clinical testing. Allele origin: germline.

NM_001127511.3(APC):c.16G>A (p.Gly6Ser)

Gene: APC (APC regulator of Wnt signaling pathway; plus strand). Cytogenetic location: 5q22.2.
Variant type: single nucleotide variant.
Coding change: c.16G>A on transcript NM_001127511.3; coding-DNA position 16, G replaced by A.
Protein change: p.Gly6Ser; replaces glycine 6 with serine.
Molecular consequence: missense variant. On other transcripts: 5 prime UTR variant (8), non-coding transcript variant (1), intron variant (5).
Genome position (GRCh38, 1-based): chr5:112,707,733, G>A. VCF-style: chr5-112707733-G-A. GRCh37 (hg19) VCF-style: chr5-112043430-G-A.
Other names: c.-168G>A (NM_001354895.2, NM_001407447.1, NM_001407452.1 and 3 more transcripts); c.16G>A, p.Gly6Ser (NM_001354897.2, NM_001354902.2, NM_001407446.1); c.-1203G>A (NM_001407470.1, NM_001407472.1); c.-19+84G>A (NM_001407448.1, NM_001407450.1, NM_001407457.1 and 1 more transcripts); c.-43+84G>A (NM_001407453.1); short protein forms G6S.
Identifiers: ClinVar variation 469801 (VCV000469801.14), dbSNP rs1043505718, ClinGen allele CA124925107.